The following is an entry in ClinVar:

NC_012920.1(MT-ND1):m.3357G>C

Gene: MT-ND1 (mitochondrially encoded NADH dehydrogenase 1; plus strand).
Variant type: single nucleotide variant.
Genome position: chrM-3357-G-C.
Identifiers: ClinVar variation 692343 (VCV000692343.4), dbSNP rs1556422714, ClinGen allele CA414772609.

ClinVar aggregate classification (germline): Uncertain significance. Review status: reviewed by expert panel (3 of 4 stars). 2 submissions from 2 submitters: Uncertain significance (1). 1 of the submissions does not count toward it. Last evaluated 2021-12-10.

Conditions:
Mitochondrial disease. Also called: Mitochondrial disorder; Mitochondrial disorders. Identifiers: Orphanet 68380, MedGen C0751651, MeSH D028361, MONDO:0044970.
Leigh syndrome (NULS). Also called: Leigh's syndrome; Leigh Disease; Subacute necrotizing encephalopathy; Necrotizing encephalopathy infantile subacute of Leigh; LEIGH SYNDROME, NUCLEAR; Leigh's necrotizing encephalopathy. Identifiers: Orphanet 506, MedGen C2931891, MONDO:0009723, OMIM 256000.

Submissions (2):

ClinGen Mitochondrial Disease Nuclear and Mitochondrial  Variant Curation Expert Panel, ClinGen
Classification: Uncertain significance for Mitochondrial disease. Last evaluated: 2021-12-10. Review status: reviewed by expert panel. Criteria: clingen mito disease acmg specifications v1-1. Collection method: curation. Allele origin: germline. Inheritance: Mitochondrial inheritance.
Comment: The m.3357G>C (p.M17I) variant in MT-ND1 was reviewed by the Mitochondrial Disease Nuclear and Mitochondrial Variant Curation Expert Panel as part of the variant pilot for mitochondrial DNA variant specifications (McCormick et al., 2020; PMID: 32906214). There have been no affected individuals reported in the medical literature to our knowledge. There are no large families reported in the medical literature to consider for evidence of segregation. There are two occurrences in the GenBank sequences queried through MITOMAP on 6/29/2020 (1 individual from haplogroup M5a and 1 from T2b). In silico tools (APOGEE) predict this variant to be neutral (score of 0.46, BP4). There are no cybrid or single fiber studies reported on this variant. In summary, this variant meets criteria to be classified as uncertain significance for primary mitochondrial disease inherited in a mitochondrial manner. This classification was approved by the NICHD U24 Mitochondrial Disease Variant Curation Expert Panel as of August 20, 2020. Mitochondrial DNA-specific ACMG/AMP criteria applied: BP4.

Wong Mito Lab, Molecular and Human Genetics, Baylor College of Medicine
Classification: Uncertain significance for Leigh syndrome. Last evaluated: 2019-10-17. Review status: criteria provided, single submitter. Criteria: Modified ACMG Guidelines (Unpublished). Collection method: clinical testing. Allele origin: germline. Not counted in ClinVar's aggregate classification.
Comment: The NC_012920.1:m.3357G>C (YP_003024026.1:p.Met17Ile) variant in MTND1 gene is interpretated to be a Uncertain Significance variant based on the modified ACMG guidelines (unpublished). This variant meets the following evidence codes: BP5